The following is an entry in ClinVar:

ClinVar aggregate classification (germline): Likely benign. Review status: criteria provided, multiple submitters, no conflicts (2 of 4 stars). 4 submissions from 4 submitters: Likely benign (3). 1 of the submissions does not count toward it. Last evaluated 2024-06-03.

Conditions:
MCM2-related disorder. Also called: MCM2-related condition.

Allele frequency attached by ClinVar (database versions not stated): gnomAD 0.00005.
gnomAD v4.1: 88 of 1,613,976 alleles (0.0055%); highest among the groups gnomAD compares: Admixed American, 0.083%; no homozygotes.

Submissions (4):

Labcorp Genetics (formerly Invitae), Labcorp
Classification: Likely benign. Last evaluated: 2024-06-03. Review status: criteria provided, single submitter. Criteria: Invitae Variant Classification Sherloc (09022015). Collection method: clinical testing. Allele origin: germline.

Blueprint Genetics
Classification: Likely benign. Last evaluated: 2022-03-11. Review status: criteria provided, single submitter. Criteria: ACMG Guidelines, 2015. Collection method: clinical testing. Allele origin: germline.

GeneDx
Classification: Likely benign. Last evaluated: 2021-08-31. Review status: criteria provided, single submitter. Criteria: GeneDx Variant Classification Process June 2021. Collection method: clinical testing. Allele origin: germline. Affected: yes.

PreventionGenetics, part of Exact Sciences
Classification: Likely benign for MCM2-related condition. Last evaluated: 2019-08-28. Review status: no assertion criteria provided. Collection method: clinical testing. Allele origin: germline. Not counted in ClinVar's aggregate classification.
Comment: This variant is classified as likely benign based on ACMG/AMP sequence variant interpretation guidelines (Richards et al. 2015 PMID: 25741868, with internal and published modifications).

NM_004526.4(MCM2):c.159C>T (p.Ser53=)

Gene: MCM2 (minichromosome maintenance complex component 2; plus strand). Cytogenetic location: 3q21.3.
Variant type: single nucleotide variant.
Coding change: c.159C>T on transcript NM_004526.4 (MANE Select); coding-DNA position 159, C replaced by T.
Protein change: p.Ser53=; no amino-acid change (serine 53 retained).
Molecular consequence: synonymous variant. On other transcripts: non-coding transcript variant (1).
Genome position (GRCh38, 1-based): chr3:127,599,470, C>T. VCF-style: chr3-127599470-C-T. GRCh37 (hg19) VCF-style: chr3-127318313-C-T.
Identifiers: ClinVar variation 1342828 (VCV001342828.12), dbSNP rs572319263, ClinGen allele CA2595485.